The following is an entry in ClinVar:

ClinVar aggregate classification (germline): Likely benign (1 of 4 stars; one submission).

Submission:

CeGaT Center for Human Genetics Tuebingen
Classification: Likely benign. Last evaluated: 2022-11-01. Review status: criteria provided, single submitter. Criteria: CeGaT Center For Human Genetics Tuebingen Variant Classification Criteria Version 2. Collection method: clinical testing. Allele origin: germline. Affected: yes. Observed: 1 variant allele.
Comment: CTR9: PM2:Supporting, BP4, BP7

NM_014633.5(CTR9):c.3369A>G (p.Pro1123=)

Gene: CTR9 (CTR9 component of Paf1/RNA polymerase II complex; plus strand). Cytogenetic location: 11p15.4.
Variant type: single nucleotide variant.
Coding change: c.3369A>G on transcript NM_014633.5 (MANE Select); coding-DNA position 3369, A replaced by G.
Protein change: p.Pro1123=; no amino-acid change (proline 1123 retained).
Molecular consequence: synonymous variant.
Genome position (GRCh38, 1-based): chr11:10,778,952, A>G. VCF-style: chr11-10778952-A-G. GRCh37 (hg19) VCF-style: chr11-10800499-A-G.
Other names: c.3297A>G, p.Pro1099= (NM_001346279.2).
Identifiers: ClinVar variation 2641604 (VCV002641604.24), dbSNP rs2539398003, ClinGen allele CA473257053.